The following is an entry in ClinVar:

NM_017673.7(SWT1):c.1612T>C (p.Ser538Pro)

Gene: SWT1 (SWT1 RNA endoribonuclease homolog; plus strand). Cytogenetic location: 1q25.3.
Variant type: single nucleotide variant.
Coding change: c.1612T>C on transcript NM_017673.7 (MANE Select); coding-DNA position 1612, T replaced by C.
Protein change: p.Ser538Pro; replaces serine 538 with proline.
Molecular consequence: missense variant.
Genome position (GRCh38, 1-based): chr1:185,202,742, T>C. VCF-style: chr1-185202742-T-C. GRCh37 (hg19) VCF-style: chr1-185171874-T-C.
Other names: c.1612T>C, p.Ser538Pro (NM_001105518.2); short protein forms S538P.
Identifiers: ClinVar variation 3172508 (VCV003172508.2), dbSNP rs375965139, ClinGen allele CA1289964.

ClinVar aggregate classification (germline): Uncertain significance (1 of 4 stars; one submission).

Allele frequency attached by ClinVar (database versions not stated): ExAC 0.00002; gnomAD 0.00016; TOPMed 0.00016; ESP Exome Variant Server 0.00023.
gnomAD v4.1: 47 of 1,598,870 alleles (0.0029%); highest among the groups gnomAD compares: African/African-American, 0.043%; no homozygotes.

Submission:

Ambry Genetics
Classification: Uncertain significance. Last evaluated: 2026-01-27. Review status: criteria provided, single submitter. Criteria: Ambry Variant Classification Scheme 2023. Collection method: clinical testing. Allele origin: germline.
Comment: The c.1612T>C (p.S538P) alteration is located in exon 11 (coding exon 10) of the SWT1 gene. This alteration results from a T to C substitution at nucleotide position 1612, causing the serine (S) at amino acid position 538 to be replaced by a proline (P). Based on data from gnomAD, the C allele has an overall frequency of 0.003% (7/275266) total alleles studied. The highest observed frequency was 0.025% (6/24384) of African alleles. Based on insufficient or conflicting evidence, the clinical significance of this alteration remains unclear.